The following is an entry in ClinVar:

ClinVar aggregate classification (germline): Uncertain significance. Review status: criteria provided, multiple submitters, no conflicts (2 of 4 stars). 6 submissions from 6 submitters: Uncertain significance (6). Last evaluated 2025-08-15.

Conditions:
Hereditary breast ovarian cancer syndrome. Also called: Hereditary breast and ovarian cancer; Breast and ovarian cancer; BRCA1- and BRCA2-Associated Hereditary Breast and Ovarian Cancer; Hereditary breast and/or ovarian cancer syndrome; Hereditary breast and ovarian cancer syndrome (HBOC); Hereditary breast and ovarian cancer syndrome. Identifiers: Orphanet 145, MedGen C0677776, MeSH D061325, MONDO:0003582. Disease mechanism: loss of function.
Hereditary cancer-predisposing syndrome. Also called: Hereditary neoplastic syndrome; Tumor predisposition; Neoplastic Syndromes, Hereditary; Hereditary Cancer Syndrome. Identifiers: Orphanet 140162, MedGen C0027672, MeSH D009386, MONDO:0015356.
Familial cancer of breast. Also called: Hereditary breast cancer; hereditary breast carcinoma; BREAST CANCER, FAMILIAL. Identifiers: Orphanet 227535, MedGen C0346153, MONDO:0016419, OMIM 114480. Disease mechanism: loss of function.

Submissions (6):

Ambry Genetics
Classification: Uncertain significance for Hereditary cancer-predisposing syndrome. Last evaluated: 2025-08-15. Review status: criteria provided, single submitter. Criteria: Ambry Variant Classification Scheme 2023. Collection method: clinical testing. Allele origin: germline.
Comment: The p.V175A variant (also known as c.524T>C), located in coding exon 3 of the CHEK2 gene, results from a T to C substitution at nucleotide position 524. The valine at codon 175 is replaced by alanine, an amino acid with similar properties. This amino acid position is not well conserved in available vertebrate species. In addition, the in silico prediction for this alteration is inconclusive. Since supporting evidence is limited at this time, the clinical significance of this alteration remains unclear.

Labcorp Genetics (formerly Invitae), Labcorp
Classification: Uncertain significance for Familial cancer of breast. Last evaluated: 2024-06-23. Review status: criteria provided, single submitter. Criteria: Invitae Variant Classification Sherloc (09022015). Collection method: clinical testing. Allele origin: germline.
Comment: This sequence change replaces valine, which is neutral and non-polar, with alanine, which is neutral and non-polar, at codon 175 of the CHEK2 protein (p.Val175Ala). This variant is not present in population databases (gnomAD no frequency). This variant has not been reported in the literature in individuals affected with CHEK2-related conditions. ClinVar contains an entry for this variant (Variation ID: 479590). An algorithm developed to predict the effect of missense changes on protein structure and function (PolyPhen-2) suggests that this variant is likely to be disruptive. In summary, the available evidence is currently insufficient to determine the role of this variant in disease. Therefore, it has been classified as a Variant of Uncertain Significance.

German Consortium for Hereditary Breast and Ovarian Cancer, University Hospital Cologne
Classification: Uncertain significance for Hereditary breast ovarian cancer syndrome. Last evaluated: 2024-05-13. Review status: criteria provided, single submitter. Criteria: ACMG Guidelines, 2015. Collection method: curation. Allele origin: germline.
Comment: According to the ACMG SVI adaptation criteria we chose these criteria: PS3 (medium pathogenic): Stolarova 2023: CHK2 assay: intermediate, KAP1 assay: impaired, PM2 (supporting pathogenic): not in gnomAD V2 and V3, PP3 (supporting pathogenic): REVEL score 0,761

Color Diagnostics, LLC DBA Color Health
Classification: Uncertain significance for Hereditary cancer-predisposing syndrome. Last evaluated: 2024-02-21. Review status: criteria provided, single submitter. Criteria: ACMG Guidelines, 2015. Collection method: clinical testing. Allele origin: germline.
Comment: This missense variant replaces valine with alanine at codon 175 of the CHEK2 protein. Computational prediction suggests that this variant may have deleterious impact on protein structure and function. A complementation assay in human cells has shown that this variant has intermediate impact on CHEK2 autophosphorylation and deleterious impact on KAP1 phosphorylation (PMID: 37449874). This variant has been reported in at least one individual affected with breast cancer (PMID: 25186627, 33471991; Leiden Open Variation Database DB-ID CHEK2_000518). This variant has not been identified in the general population by the Genome Aggregation Database (gnomAD). The available evidence is insufficient to determine the role of this variant in disease conclusively. Therefore, this variant is classified as a Variant of Uncertain Significance.

CeGaT Center for Human Genetics Tuebingen
Classification: Uncertain significance. Last evaluated: 2022-01-01. Review status: criteria provided, single submitter. Criteria: CeGaT Center For Human Genetics Tuebingen Variant Classification Criteria Version 2. Collection method: clinical testing. Allele origin: germline. Affected: yes. Observed: 1 variant allele.

Sema4
Classification: Uncertain significance for Hereditary cancer-predisposing syndrome. Last evaluated: 2021-08-17. Review status: criteria provided, single submitter. Criteria: Sema4 Curation Guidelines. Collection method: curation. Allele origin: germline.
Comment: The CHEK2 c.524T>C (p.V175A) variant has been reported in heterozygosity in at least one individual with breast cancer (PMID: 33471991). It was not observed in the large and broad cohorts of the Genome Aggregation Database. The variant has been reported in ClinVar (Variation ID 479590). In silico tools suggest the impact of the variant on protein function is deleterious, though these predictions have not been confirmed by functional studies. The evidence is insufficient to meet ACMG/AMP criteria for classifying the variant as benign or pathogenic. Thus, the clinical significance of this variant is currently uncertain.

Literature cited by the submitters: PubMed 25186627 (cited by Ambry Genetics and Color Diagnostics, LLC DBA Color Health); PubMed 33471991 (cited by Color Diagnostics, LLC DBA Color Health and Sema4); PubMed 37449874 (cited by Color Diagnostics, LLC DBA Color Health).

NM_007194.4(CHEK2):c.524T>C (p.Val175Ala)

Gene: CHEK2 (checkpoint kinase 2; minus strand). Cytogenetic location: 22q12.1.
Variant type: single nucleotide variant.
Coding change: c.524T>C on transcript NM_007194.4 (MANE Select); coding-DNA position 524, T replaced by C.
Protein change: p.Val175Ala; replaces valine 175 with alanine.
Molecular consequence: missense variant. On other transcripts: 5 prime UTR variant (2), intron variant (1).
Genome position (GRCh38, 1-based): chr22:28,725,045, A>G on the plus strand (T>C on the coding strand, the complement: CHEK2 is on the minus strand). VCF-style: chr22-28725045-A-G. GRCh37 (hg19) VCF-style: chr22-29121033-A-G.
Other names: c.653T>C, p.Val218Ala (NM_001005735.3, NM_001438294.1); c.-254T>C (NM_001257387.3); c.-140T>C (NM_001437942.1); c.617T>C, p.Val206Ala (NM_001438293.1, NM_001438295.1); c.524T>C, p.Val175Ala (NM_145862.3); c.445-122T>C (NM_001349956.3); short protein forms V175A, V218A, V206A.
Identifiers: ClinVar variation 479590 (VCV000479590.53), dbSNP rs1555926862, ClinGen allele CA411107320.